The following is an entry in ClinVar:

NM_001201543.2(FAM161A):c.1484G>C (p.Arg495Pro)

Gene: FAM161A (FAM161 centrosomal protein A; minus strand). Cytogenetic location: 2p15.
Variant type: single nucleotide variant.
Coding change: c.1484G>C on transcript NM_001201543.2 (MANE Select); coding-DNA position 1484, G replaced by C.
Protein change: p.Arg495Pro; replaces arginine 495 with proline.
Molecular consequence: missense variant. On other transcripts: non-coding transcript variant (1).
Genome position (GRCh38, 1-based): chr2:61,839,520, C>G on the plus strand (G>C on the coding strand, the complement: FAM161A is on the minus strand). VCF-style: chr2-61839520-C-G. GRCh37 (hg19) VCF-style: chr2-62066655-C-G.
Other names: c.1484G>C, p.Arg495Pro (NM_032180.3); c.1484G>C (NM_001201543.1); short protein forms R495P.
Identifiers: ClinVar variation 2188466 (VCV002188466.2), dbSNP rs201998260, ClinGen allele CA1679143.
Genomic context (GRCh38, chr2:61,839,520, plus strand): 5'-ACGGGAGGGTTGCAGTTACAAGGCACAGGGTTTACACCTGCACATCTTACTGGTGACTTA[C>G]GCCTTGGAGACAAATAAGGCCAACGTGTTTCTTTTAAATTTTCTTCATCTGCTTCGATGT-3'
Protein context (NP_001188472.1, residues 485-505): ETRWPYLSPR[Arg495Pro]KSPVRCAGVN

ClinVar aggregate classification (germline): Uncertain significance. Review status: criteria provided, multiple submitters, no conflicts (2 of 4 stars). 2 submissions from 2 submitters: Uncertain significance (2). Last evaluated 2024-08-21.

Conditions:
Inborn genetic diseases. Identifiers: MedGen C0950123, MeSH D030342.

Allele frequency attached by ClinVar (database versions not stated): ESP Exome Variant Server 0.00016.
gnomAD v4.1: 71 of 1,614,068 alleles (0.0044%); highest among the groups gnomAD compares: Non-Finnish European, 0.0054%; no homozygotes.

Submissions (2):

Ambry Genetics
Classification: Uncertain significance for Inborn genetic diseases. Last evaluated: 2024-08-21. Review status: criteria provided, single submitter. Criteria: Ambry Variant Classification Scheme 2023. Collection method: clinical testing. Allele origin: germline.

Labcorp Genetics (formerly Invitae), Labcorp
Classification: Uncertain significance. Last evaluated: 2022-06-22. Review status: criteria provided, single submitter. Criteria: Invitae Variant Classification Sherloc (09022015). Collection method: clinical testing. Allele origin: germline.
Comment: This sequence change replaces arginine, which is basic and polar, with proline, which is neutral and non-polar, at codon 495 of the FAM161A protein (p.Arg495Pro). This variant is present in population databases (rs201998260, gnomAD 0.003%). This variant has not been reported in the literature in individuals affected with FAM161A-related conditions. Algorithms developed to predict the effect of missense changes on protein structure and function (SIFT, PolyPhen-2, Align-GVGD) all suggest that this variant is likely to be tolerated. In summary, the available evidence is currently insufficient to determine the role of this variant in disease. Therefore, it has been classified as a Variant of Uncertain Significance.